The following is an entry in ClinVar:

NM_005422.4(TECTA):c.4857C>A (p.Cys1619Ter)

Genes: TECTA (tectorin alpha; plus strand), TBCEL-TECTA (TBCEL-TECTA readthrough; plus strand). Cytogenetic location: 11q23.3.
Variant type: single nucleotide variant.
Coding change: c.4857C>A on transcript NM_005422.4 (MANE Select); coding-DNA position 4857, C replaced by A.
Protein change: p.Cys1619Ter; replaces cysteine 1619 with a stop codon.
Molecular consequence: nonsense.
Genome position (GRCh38, 1-based): chr11:121,160,302, C>A. VCF-style: chr11-121160302-C-A. GRCh37 (hg19) VCF-style: chr11-121031011-C-A.
Other names: c.5814C>A, p.Cys1938Ter (NM_001378761.1); short protein forms C1619*, C1938*.
Identifiers: ClinVar variation 402279 (VCV000402279.3), dbSNP rs764153521, ClinGen allele CA16609574.

ClinVar aggregate classification (germline): Pathogenic. Review status: criteria provided, single submitter (1 of 4 stars). 2 submissions from 2 submitters: Pathogenic (1). 1 of the submissions does not count toward it. Last evaluated 2020-08-01.

Conditions:
Autosomal recessive nonsyndromic hearing loss 21. Identifiers: Orphanet 90636, MedGen C1863655, MONDO:0011351, OMIM 603629.

gnomAD v4.1: 1 of 1,614,146 alleles (0.000062%); highest among the groups gnomAD compares: Non-Finnish European, 0.000085%; no homozygotes.

Submissions (2):

King Laboratory, University of Washington
Classification: Pathogenic for Autosomal recessive nonsyndromic hearing loss 21. Last evaluated: 2020-08-01. Review status: criteria provided, single submitter. Criteria: Abu Rayyan A et al. (Proc Natl Acad Sci U S A 2020). Collection method: research. Allele origin: germline. Affected: yes.
Comment: TECTA c.4857C>A, p.C1619* is homozygous in 24 children from 7 Palestinian families with pre-lingual moderate hearing loss (Abu Rayyan 2020). The variant is absent from 1300 Palestinian controls and absent from gnomAD v2.1.1.

Hereditary Research Laboratory, Bethlehem University
Classification: Pathogenic for Autosomal recessive nonsyndromic hearing loss 21. Last evaluated: 2016-06-04. Review status: no assertion criteria provided. Collection method: research. Allele origin: germline. Affected: yes. Not counted in ClinVar's aggregate classification.
Comment: Moderate to severe